The following is an entry in ClinVar:

NM_007327.4(GRIN1):c.672-148G>A

Gene: GRIN1 (glutamate ionotropic receptor NMDA type subunit 1; plus strand). Cytogenetic location: 9q34.3.
Variant type: single nucleotide variant.
Coding change: c.672-148G>A on transcript NM_007327.4 (MANE Select); 148 bases into the intron before coding-DNA position 672, G replaced by A.
Molecular consequence: intron variant.
Genome position (GRCh38, 1-based): chr9:137,156,521, G>A. VCF-style: chr9-137156521-G-A. GRCh37 (hg19) VCF-style: chr9-140050973-G-A.
Other names: c.735-148G>A (NM_001185090.2, NM_001185091.2); c.672-148G>A (NM_021569.4, NM_000832.7).
Identifiers: ClinVar variation 677787 (VCV000677787.1), dbSNP rs117281178, ClinGen allele CA201738124.

ClinVar aggregate classification (germline): Likely benign (1 of 4 stars; one submission).

Allele frequency attached by ClinVar (database versions not stated): gnomAD exomes 0.00391; gnomAD 0.00520 and 0.00631; TOPMed 0.00706; 1000 Genomes Project 0.02157; 1000 Genomes Project 30x 0.02186.
gnomAD v4.1: 5,112 of 1,149,698 alleles (0.44%); highest among the groups gnomAD compares: East Asian, 4%; 114 homozygotes.

Submission:

GeneDx
Classification: Likely benign. Last evaluated: 2018-06-14. Review status: criteria provided, single submitter. Criteria: GeneDx Variant Classification (06012015). Collection method: clinical testing. Allele origin: germline. Affected: yes.
Comment: This variant is considered likely benign or benign based on one or more of the following criteria: it is a conservative change, it occurs at a poorly conserved position in the protein, it is predicted to be benign by multiple in silico algorithms, and/or has population frequency not consistent with disease.